The following is an entry in ClinVar:

ClinVar aggregate classification (germline): Pathogenic (1 of 4 stars; one submission).

Conditions:
Autosomal recessive nonsyndromic hearing loss 7. Also called: DEAFNESS, AUTOSOMAL RECESSIVE 11. Identifiers: Orphanet 90636, MedGen C1832978, MONDO:0010967, OMIM 600974.

Submission:

Institute of Rare Diseases, West China Hospital, Sichuan University
Classification: Pathogenic for Autosomal recessive nonsyndromic hearing loss 7. Last evaluated: 2025-01-09. Review status: criteria provided, single submitter. Criteria: ClinGen HL ACMG Specifications v1. Collection method: research. Allele origin: germline. Affected: yes.
Comment: PVS1;PM3;PM2_Supporting

NM_138691.3(TMC1):c.362+2T>C

Gene: TMC1 (transmembrane channel like 1; plus strand). Cytogenetic location: 9q21.13.
Variant type: single nucleotide variant.
Coding change: c.362+2T>C on transcript NM_138691.3 (MANE Select); the canonical splice donor site of the intron after coding-DNA position 362, T replaced by C.
Molecular consequence: splice donor variant.
Genome position (GRCh38, 1-based): chr9:72,700,645, T>C. VCF-style: chr9-72700645-T-C. GRCh37 (hg19) VCF-style: chr9-75315561-T-C.
Identifiers: ClinVar variation 3601905 (VCV003601905.1).